The following is an entry in ClinVar:

NM_002382.5(MAX):c.334C>T (p.Gln112Ter)

Gene: MAX (MYC associated transcriptional regulator X; minus strand). Cytogenetic location: 14q23.3.
Variant type: single nucleotide variant.
Coding change: c.334C>T on transcript NM_002382.5 (MANE Select); coding-DNA position 334, C replaced by T.
Protein change: p.Gln112Ter; replaces glutamine 112 with a stop codon.
Molecular consequence: nonsense. On other transcripts: 3 prime UTR variant (1), intron variant (2).
Genome position (GRCh38, 1-based): chr14:65,076,625, G>A on the plus strand (C>T on the coding strand, the complement: MAX is on the minus strand). VCF-style: chr14-65076625-G-A. GRCh37 (hg19) VCF-style: chr14-65543343-G-A.
Other names: c.145C>T, p.Gln49Ter (NM_001320415.2, NM_001407105.1, NM_001407106.1 and 1 more transcripts); c.334C>T, p.Gln112Ter (NM_001407094.1); c.307C>T, p.Gln103Ter (NM_001407095.1, NM_145112.3); c.*107C>T (NM_001407096.1, NM_001407099.1, NM_001407102.1 and 2 more transcripts); c.*123C>T (NM_001407097.1, NM_001407100.1, NM_001407101.1 and 4 more transcripts); c.226C>T, p.Gln76Ter (NM_001407098.1); c.133C>T, p.Gln45Ter (NM_001407111.1, NM_001407112.1); c.144+17083C>T (NM_001271069.2); and 1 more; short protein forms Q103*, Q112*, Q45*, Q49*, Q76*.
Identifiers: ClinVar variation 1916473 (VCV001916473.5), dbSNP rs2504175566, ClinGen allele CA390031861.

ClinVar aggregate classification (germline): Uncertain significance (1 of 4 stars; one submission).

Conditions:
Hereditary pheochromocytoma and paraganglioma. Also called: Hereditary paragangliomas and pheochromocytomas; Hereditary Paraganglioma-Pheochromocytoma Syndromes; Hereditary pheochromocytoma-paraganglioma. Identifiers: Orphanet 29072, MedGen C4274332, MONDO:0017366.

Submission:

Labcorp Genetics (formerly Invitae), Labcorp
Classification: Uncertain significance for Hereditary pheochromocytoma and paraganglioma. Last evaluated: 2022-08-31. Review status: criteria provided, single submitter. Criteria: Invitae Variant Classification Sherloc (09022015). Collection method: clinical testing. Allele origin: germline.
Comment: In summary, the available evidence is currently insufficient to determine the role of this variant in disease. Therefore, it has been classified as a Variant of Uncertain Significance. Experimental studies and prediction algorithms are not available or were not evaluated, and the functional significance of this variant is currently unknown. This variant has not been reported in the literature in individuals affected with MAX-related conditions. This variant is not present in population databases (gnomAD no frequency). This sequence change creates a premature translational stop signal (p.Gln112*) in the MAX gene. While this is not anticipated to result in nonsense mediated decay, it is expected to disrupt the last 49 amino acid(s) of the MAX protein.